The following is an entry in ClinVar:

ClinVar aggregate classification (germline): Uncertain significance. Review status: criteria provided, multiple submitters, no conflicts (2 of 4 stars). 2 submissions from 2 submitters: Uncertain significance (2). Last evaluated 2025-11-25.

Conditions:
Hereditary cancer-predisposing syndrome. Also called: Hereditary neoplastic syndrome; Neoplastic Syndromes, Hereditary; Hereditary Cancer Syndrome; Tumor predisposition. Identifiers: Orphanet 140162, MedGen C0027672, MeSH D009386, MONDO:0015356.
Multiple endocrine neoplasia, type 2 (MEN2). Identifiers: Orphanet 653, MedGen C4048306, MONDO:0019003. Disease mechanism: gain of function.

Allele frequency attached by ClinVar (database versions not stated): gnomAD exomes below 0.00001.
gnomAD v4.1: 1 of 1,614,090 alleles (0.000062%); highest among the groups gnomAD compares: Non-Finnish European, 0.000085%; no homozygotes.

Submissions (2):

Ambry Genetics
Classification: Uncertain significance for Hereditary cancer-predisposing syndrome. Last evaluated: 2025-11-25. Review status: criteria provided, single submitter. Criteria: Ambry Variant Classification Scheme 2023. Collection method: clinical testing. Allele origin: germline.
Comment: The p.P1049S variant (also known as c.3145C>T), located in coding exon 19 of the RET gene, results from a C to T substitution at nucleotide position 3145. The proline at codon 1049 is replaced by serine, an amino acid with similar properties. This amino acid position is conserved. In addition, this alteration is predicted to be tolerated by in silico analysis. Based on the available evidence, the clinical significance of this variant remains unclear.

Labcorp Genetics (formerly Invitae), Labcorp
Classification: Uncertain significance for Multiple endocrine neoplasia, type 2. Last evaluated: 2024-07-17. Review status: criteria provided, single submitter. Criteria: Invitae Variant Classification Sherloc (09022015). Collection method: clinical testing. Allele origin: germline.
Comment: This sequence change replaces proline, which is neutral and non-polar, with serine, which is neutral and polar, at codon 1049 of the RET protein (p.Pro1049Ser). This variant is not present in population databases (gnomAD no frequency). This variant has not been reported in the literature in individuals affected with RET-related conditions. ClinVar contains an entry for this variant (Variation ID: 657547). An algorithm developed to predict the effect of missense changes on protein structure and function (PolyPhen-2) suggests that this variant is likely to be tolerated. In summary, the available evidence is currently insufficient to determine the role of this variant in disease. Therefore, it has been classified as a Variant of Uncertain Significance.

NM_020975.6(RET):c.3145C>T (p.Pro1049Ser)

Gene: RET (ret proto-oncogene; plus strand). Cytogenetic location: 10q11.21.
Variant type: single nucleotide variant.
Coding change: c.3145C>T on transcript NM_020975.6 (MANE Select); coding-DNA position 3145, C replaced by T.
Protein change: p.Pro1049Ser; replaces proline 1049 with serine.
Molecular consequence: missense variant.
Genome position (GRCh38, 1-based): chr10:43,126,680, C>T. VCF-style: chr10-43126680-C-T. GRCh37 (hg19) VCF-style: chr10-43622128-C-T.
Other names: c.3010C>T, p.Pro1004Ser (NM_001406765.1, NM_001406763.1); c.2857C>T, p.Pro953Ser (NM_001406766.1, NM_001406767.1, NM_001406770.1); c.2881C>T, p.Pro961Ser (NM_001406768.1); c.2749C>T, p.Pro917Ser (NM_001406769.1, NM_001406772.1); c.2383C>T, p.Pro795Ser (NM_001355216.2); c.3145C>T, p.Pro1049Ser (NM_001406743.1, NM_001406744.1, NM_000323.2 and 2 more transcripts); c.3016C>T, p.Pro1006Ser (NM_001406761.1, NM_001406762.1, NM_001406764.1); c.2707C>T, p.Pro903Ser (NM_001406771.1, NM_001406773.1); and 10 more; short protein forms P1049S, P795S, P654S, P807S, P874S, P707S, P917S, P1004S.
Identifiers: ClinVar variation 657547 (VCV000657547.10), dbSNP rs1588881090, ClinGen allele CA376558484.